The following is an entry in ClinVar:

ClinVar aggregate classification (germline): Uncertain significance (1 of 4 stars; one submission).

Conditions:
LHCGR-related disorder. Also called: LHCGR-related condition.

gnomAD v4.1: 16 of 1,532,452 alleles (0.001%); highest among the groups gnomAD compares: Non-Finnish European, 0.0013%; no homozygotes.

Submission:

PreventionGenetics, part of Exact Sciences
Classification: Uncertain significance for LHCGR-related condition. Last evaluated: 2026-08-24. Review status: criteria provided, single submitter. Criteria: ACMG Guidelines, 2015. Collection method: clinical testing. Allele origin: germline.
Comment: The LHCGR c.56C>A variant is predicted to result in the amino acid substitution p.Pro19Gln. To our knowledge, this variant has not been reported in the literature. This variant is reported in 0.0% of alleles in individuals of African descent in gnomAD. At this time, the clinical significance of this variant is uncertain due to the absence of conclusive functional and genetic evidence.

NM_000233.4(LHCGR):c.56C>A (p.Pro19Gln)

Genes: LHCGR (luteinizing hormone/choriogonadotropin receptor; minus strand), STON1-GTF2A1L (STON1-GTF2A1L readthrough; plus strand). Cytogenetic location: 2p16.3.
Variant type: single nucleotide variant.
Coding change: c.56C>A on transcript NM_000233.4 (MANE Select); coding-DNA position 56, C replaced by A.
Protein change: p.Pro19Gln; replaces proline 19 with glutamine.
Molecular consequence: missense variant. On other transcripts: intron variant (1).
Genome position (GRCh38, 1-based): chr2:48,755,616, G>T on the plus strand (C>A on the coding strand, the complement: LHCGR is on the minus strand). VCF-style: chr2-48755616-G-T. GRCh37 (hg19) VCF-style: chr2-48982755-G-T.
Other names: c.3442-20664G>T (NM_001198593.2); short protein forms P19Q.
Identifiers: ClinVar variation 4985897 (VCV004985897.1).